The following is an entry in ClinVar:

ClinVar aggregate classification (germline): Uncertain significance (0 of 4 stars; one submission).

Conditions:
MYH6-related disorder. Also called: MYH6-Related Disorders; MYH6-related condition.

Allele frequency attached by ClinVar (database versions not stated): gnomAD exomes below 0.00001.
gnomAD v4.1: 2 of 1,614,226 alleles (0.00012%); highest among the groups gnomAD compares: Non-Finnish European, 0.00017%; no homozygotes.

Submission:

PreventionGenetics, part of Exact Sciences
Classification: Uncertain significance for MYH6-related condition. Last evaluated: 2023-12-06. Review status: no assertion criteria provided. Collection method: clinical testing. Allele origin: germline.
Comment: The MYH6 c.43T>A variant is predicted to result in the amino acid substitution p.Tyr15Asn. To our knowledge, this variant has not been reported in the literature. This variant is reported in 0.00088% of alleles in individuals of European (Non-Finnish) descent in gnomAD. At this time, the clinical significance of this variant is uncertain due to the absence of conclusive functional and genetic evidence.

NM_002471.4(MYH6):c.43T>A (p.Tyr15Asn)

Genes: MYH6 (myosin heavy chain 6; minus strand), LOC114827851 (VISTA enhancer hs2155; plus strand). Cytogenetic location: 14q11.2.
Variant type: single nucleotide variant.
Coding change: c.43T>A on transcript NM_002471.4 (MANE Select); coding-DNA position 43, T replaced by A.
Protein change: p.Tyr15Asn; replaces tyrosine 15 with asparagine.
Molecular consequence: missense variant.
Genome position (GRCh38, 1-based): chr14:23,407,181, A>T on the plus strand (T>A on the coding strand, the complement: MYH6 is on the minus strand). VCF-style: chr14-23407181-A-T. GRCh37 (hg19) VCF-style: chr14-23876390-A-T.
Other names: short protein forms Y15N.
Identifiers: ClinVar variation 3030824 (VCV003030824.2), dbSNP rs1229592151, ClinGen allele CA389032189.
Genomic context (GRCh38, chr14:23,407,181, plus strand): 5'-TGCGAATGTCAAAGGGCCGGGTCTGGGCCTCTAGACGCTCCTTCTCTGACTTGCGGAGGT[A>T]CTGGGCCGCTGCCCCAAAGTCAGCCATCTGGGCATCGGTCATCTTGGTGCTTCCCCTGGG-3'
Protein context (NP_002462.2, residues 5-25): QMADFGAAAQ[Tyr15Asn]LRKSEKERLE